The following is an entry in ClinVar:

ClinVar aggregate classification (germline): Pathogenic (1 of 4 stars; one submission).

Submission:

GeneDx
Classification: Pathogenic. Last evaluated: 2024-03-14. Review status: criteria provided, single submitter. Criteria: GeneDx Variant Classification Process June 2021. Collection method: clinical testing. Allele origin: germline. Affected: yes.
Comment: Frameshift variant predicted to result in protein truncation or nonsense mediated decay in a gene for which loss of function is a known mechanism of disease; Not observed at significant frequency in large population cohorts (gnomAD); Has not been previously published as pathogenic or benign to our knowledge

NM_006421.5(ARFGEF1):c.491_492del (p.Ile164fs)

Gene: ARFGEF1 (ARF guanine nucleotide exchange factor 1; minus strand). Cytogenetic location: 8q13.2.
Variant type: Deletion.
Coding change: c.491_492del on transcript NM_006421.5 (MANE Select); coding-DNA positions 491 to 492, 2 bases deleted (TA; older notation c.491_492delTA).
Protein change: p.Ile164fs; shifts the reading frame from isoleucine 164.
Molecular consequence: frameshift variant. On other transcripts: 5 prime UTR variant (4), non-coding transcript variant (1).
Genome position (GRCh38, 1-based): chr8:67,296,578-67,296,579, TA deleted on the plus strand (TA on the coding strand, the reverse complement: ARFGEF1 is on the minus strand); deleting any 2 consecutive bases within chr8:67,296,578-67,296,580 gives the same sequence; the c. name uses the placement nearest the transcript's 3' end. VCF-style (leftmost placement, unchanged base first): chr8-67296577-CTA-C. GRCh37 (hg19) VCF-style: chr8-68208812-CTA-C.
Other names: c.491_492del, p.Ile164fs (NM_001413184.1, NM_001413185.1, NM_001413186.1 and 7 more transcripts); c.-110_-109del (NM_001413188.1, NM_001413193.1, NM_001413197.1); c.-625_-624del (NM_001413196.1); short protein forms I164fs.
Identifiers: ClinVar variation 3370921 (VCV003370921.1).